The following is an entry in ClinVar:

NM_017617.5(NOTCH1):c.3850T>C (p.Cys1284Arg)

Gene: NOTCH1 (notch receptor 1; minus strand). Cytogenetic location: 9q34.3.
Variant type: single nucleotide variant.
Coding change: c.3850T>C on transcript NM_017617.5 (MANE Select); coding-DNA position 3850, T replaced by C.
Protein change: p.Cys1284Arg; replaces cysteine 1284 with arginine.
Molecular consequence: missense variant.
Genome position (GRCh38, 1-based): chr9:136,506,767, A>G on the plus strand (T>C on the coding strand, the complement: NOTCH1 is on the minus strand). VCF-style: chr9-136506767-A-G. GRCh37 (hg19) VCF-style: chr9-139401219-A-G.
Other names: short protein forms C1284R.
Identifiers: ClinVar variation 3673268 (VCV003673268.2).
Genomic context (GRCh38, chr9:136,506,767, plus strand): 5'-GGCACCCACCGGTGTGACCAGCACGGCACTCGCAGTGGAAGTCATTGACGCGCTGCACGC[A>G]GTTCTGGGTGCCACGGGCGTCGCAGGGATTGGACAGGCACTCGTTGACATCCCCCTCACA-3'
Protein context (NP_060087.3, residues 1274-1294): NPCDARGTQN[Cys1284Arg]VQRVNDFHCE

ClinVar aggregate classification (germline): Uncertain significance (1 of 4 stars; one submission).

Conditions:
Adams-Oliver syndrome 5 (AOS5). Identifiers: Orphanet 974, MedGen C4014970, MONDO:0014459, OMIM 616028.

Submission:

Labcorp Genetics (formerly Invitae), Labcorp
Classification: Uncertain significance for Adams-Oliver syndrome 5. Last evaluated: 2025-12-08. Review status: criteria provided, single submitter. Criteria: Invitae Variant Classification Sherloc (09022015). Collection method: clinical testing. Allele origin: germline.
Comment: This sequence change replaces cysteine, which is neutral and slightly polar, with arginine, which is basic and polar, at codon 1284 of the NOTCH1 protein (p.Cys1284Arg). This variant is not present in population databases (gnomAD no frequency). This variant has not been reported in the literature in individuals affected with NOTCH1-related conditions. ClinVar contains an entry for this variant (Variation ID: 3673268). Invitae Evidence Modeling of protein sequence and biophysical properties (such as structural, functional, and spatial information, amino acid conservation, physicochemical variation, residue mobility, and thermodynamic stability) has been performed for this missense variant. However, the output from this modeling did not meet the statistical confidence thresholds required to predict the impact of this variant on NOTCH1 protein function. In summary, the available evidence is currently insufficient to determine the role of this variant in disease. Therefore, it has been classified as a Variant of Uncertain Significance.